The following is an entry in ClinVar:

ClinVar aggregate classification (germline): Pathogenic (1 of 4 stars; one submission).

Conditions:
Neurometabolic disorder due to serine deficiency. Identifiers: Orphanet 35705, MedGen C5680148, MONDO:0018162.

Submission:

Myriad Genetics, Inc.
Classification: Pathogenic for Neurometabolic disorder due to serine deficiency. Last evaluated: 2024-05-14. Review status: criteria provided, single submitter. Criteria: Myriad Autosomal Dominant, Autosomal Recessive and X-Linked Classification Criteria (2023). Collection method: clinical testing. Allele origin: unknown.
Comment: NM_006623.3(PHGDH):c.773_775del3ins17(A258Dfs*55) is expected to be pathogenic in the context of serine deficiency disorder, PHGDH-related. This variant is predicted to lead to an abnormal or absent protein product due to the creation of a premature termination codon in PHGDH, a gene where loss-of-function variants are known to be pathogenic. Please note: this variant was assessed in the context of healthy population screening.

NM_006623.4(PHGDH):c.773_775delinsATGTGTATAAGAGACAG (p.Ala258fs)

Gene: PHGDH (phosphoglycerate dehydrogenase; plus strand). Cytogenetic location: 1p12.
Variant type: Indel.
Coding change: c.773_775delinsATGTGTATAAGAGACAG on transcript NM_006623.4 (MANE Select); coding-DNA positions 773 to 775, CAC replaced by ATGTGTATAAGAGACAG.
Protein change: p.Ala258fs; shifts the reading frame from alanine 258.
Molecular consequence: frameshift variant.
Genome position (GRCh38, 1-based): chr1:119,735,424-119,735,426, CAC replaced by ATGTGTATAAGAGACAG. VCF-style: chr1-119735424-CAC-ATGTGTATAAGAGACAG. GRCh37 (hg19) VCF-style: chr1-120278047-CAC-ATGTGTATAAGAGACAG.
Other names: short protein forms A258fs.
Identifiers: ClinVar variation 5010931 (VCV005010931.1).